The following is an entry in ClinVar:

ClinVar aggregate classification (germline): Uncertain significance. Review status: reviewed by expert panel (3 of 4 stars). 2 submissions from 2 submitters: Uncertain significance (1). 1 of the submissions does not count toward it. Last evaluated 2025-12-19.

Conditions:
Immunodeficiency 14 (IMD14A). Also called: ACTIVATED PI3K-DELTA SYNDROME 1; Activated PI3K Delta Syndrome Type 1 (APDS1); p110-DELTA-ACTIVATING MUTATION CAUSING SENESCENT T CELLS, LYMPHADENOPATHY, AND IMMUNODEFICIENCY; IMMUNODEFICIENCY 14A WITH LYMPHOPROLIFERATION, AUTOSOMAL DOMINANT. Identifiers: Orphanet 397596, Orphanet 693661, MedGen C5907821, MONDO:0014222, OMIM 615513.
Inborn genetic diseases. Identifiers: MedGen C0950123, MeSH D030342.

Submissions (2):

ClinGen Primary Immune Regulatory Disorders Variant Curation Expert Panel, ClinGen
Classification: Uncertain significance for Immunodeficiency 14. Last evaluated: 2025-12-19. Review status: reviewed by expert panel. Criteria: ClinGen AbDef ACMG Specifications PIK3CD V1.0.0. Collection method: curation. Allele origin: germline. Inheritance: Autosomal dominant inheritance.
Comment: NM_005026.5(PIK3CD):c.2002C>A (p.Leu668Met) is a missense variant that causes substitution of leucine by methionine at amino acid 668. This variant is absent from gnomAD v4.1.0 (PM2_Supporting). The variant has been observed in at least one individual subjected to genetic testing, however it is not clear whether the individual was affected with a relevant clinical condition (ClinVar accession number SCV003968830.2). The computational predictor REVEL gives a score of 0.231, which is below the ClinGen Antibody Deficiencies VCEP threshold of <0.290 and predicts a non-damaging effect on PIK3CD function. The computational predictor CADD gives a PHRED score of 16.99, which is below the ClinGen Antibody Deficiencies VCEP threshold of <22.7 and predicts a non-deleterious effect on PIK3CD function. The two predictors agree on a non-damaging effect (BP4). In summary, this variant meets the criteria to be classified as a variant of uncertain significance for autosomal dominant immunodeficiency 14 based on the ACMG/AMP criteria applied, as specified by the ClinGen Antibody Deficiencies VCEP: PM2_Supporting and BP4. (VCEP specifications version 1.0.0).

Ambry Genetics
Classification: Likely benign for Inborn genetic diseases. Last evaluated: 2023-04-07. Review status: criteria provided, single submitter. Criteria: Ambry Variant Classification Scheme 2023. Collection method: clinical testing. Allele origin: germline. Not counted in ClinVar's aggregate classification.

NM_005026.5(PIK3CD):c.2002C>A (p.Leu668Met)

Gene: PIK3CD (phosphatidylinositol-4,5-bisphosphate 3-kinase catalytic subunit delta; plus strand). Cytogenetic location: 1p36.22.
Variant type: single nucleotide variant.
Coding change: c.2002C>A on transcript NM_005026.5 (MANE Select); coding-DNA position 2002, C replaced by A.
Protein change: p.Leu668Met; replaces leucine 668 with methionine.
Molecular consequence: missense variant.
Genome position (GRCh38, 1-based): chr1:9,721,807, C>A. VCF-style: chr1-9721807-C-A. GRCh37 (hg19) VCF-style: chr1-9781865-C-A.
Other names: NM_005026.5(PIK3CD):c.2002C>A; p.Leu668Met; c.1999C>A, p.Leu667Met (NM_001350234.2); c.1915C>A, p.Leu639Met (NM_001350235.1); short protein forms L667M, L668M, L639M.
Identifiers: ClinVar variation 2534434 (VCV002534434.2), dbSNP rs2525077338, ClinGen allele CA338304786.